The following is an entry in ClinVar:

ClinVar aggregate classification (germline): Pathogenic (1 of 4 stars; one submission).

Conditions:
Autosomal dominant epilepsy with auditory features. Identifiers: Orphanet 101046, MedGen C1838062, MONDO:0010898.

Submission:

Labcorp Genetics (formerly Invitae), Labcorp
Classification: Pathogenic for Autosomal dominant epilepsy with auditory features. Last evaluated: 2023-08-29. Review status: criteria provided, single submitter. Criteria: Invitae Variant Classification Sherloc (09022015). Collection method: clinical testing. Allele origin: germline.
Comment: For these reasons, this variant has been classified as Pathogenic. This variant has not been reported in the literature in individuals affected with LGI1-related conditions. This variant is not present in population databases (gnomAD no frequency). This sequence change creates a premature translational stop signal (p.Cys200*) in the LGI1 gene. It is expected to result in an absent or disrupted protein product. Loss-of-function variants in LGI1 are known to be pathogenic (PMID: 24206907).

Literature cited by the submitters: PubMed 24206907.

NM_005097.4(LGI1):c.600C>A (p.Cys200Ter)

Gene: LGI1 (leucine rich glioma inactivated 1; plus strand). Cytogenetic location: 10q23.33.
Variant type: single nucleotide variant.
Coding change: c.600C>A on transcript NM_005097.4 (MANE Select); coding-DNA position 600, C replaced by A.
Protein change: p.Cys200Ter; replaces cysteine 200 with a stop codon.
Molecular consequence: nonsense. On other transcripts: non-coding transcript variant (1).
Genome position (GRCh38, 1-based): chr10:93,792,839, C>A. VCF-style: chr10-93792839-C-A. GRCh37 (hg19) VCF-style: chr10-95552596-C-A.
Other names: c.600C>A, p.Cys200Ter (NM_001308275.2); c.456C>A, p.Cys152Ter (NM_001308276.2); short protein forms C200*, C152*.
Identifiers: ClinVar variation 2756254 (VCV002756254.3), dbSNP rs148862146, ClinGen allele CA377623522.